The following is an entry in ClinVar:

ClinVar aggregate classification (germline): Uncertain significance (1 of 4 stars; one submission).

Submission:

GeneDx
Classification: Uncertain significance. Last evaluated: 2025-07-28. Review status: criteria provided, single submitter. Criteria: GeneDx Variant Classification Process June 2021. Collection method: clinical testing. Allele origin: germline. Affected: yes.
Comment: Not observed at significant frequency in large population cohorts (gnomAD); In silico analysis supports that this missense variant has a deleterious effect on protein structure/function; Has not been previously published as pathogenic or benign to our knowledge; In silico analysis suggests this variant may impact gene splicing. In the absence of RNA/functional studies, the actual effect of this sequence change is unknown.

NM_001378615.1(CC2D2A):c.3023G>T (p.Gly1008Val)

Genes: CC2D2A (coiled-coil and C2 domain containing 2A; plus strand), FBXL5 (F-box and leucine rich repeat protein 5; minus strand). Cytogenetic location: 4p15.32.
Variant type: single nucleotide variant.
Coding change: c.3023G>T on transcript NM_001378615.1 (MANE Select); coding-DNA position 3023, G replaced by T.
Protein change: p.Gly1008Val; replaces glycine 1008 with valine.
Molecular consequence: missense variant.
Genome position (GRCh38, 1-based): chr4:15,563,363, G>T. VCF-style: chr4-15563363-G-T. GRCh37 (hg19) VCF-style: chr4-15564986-G-T.
Other names: c.3023G>T, p.Gly1008Val (NM_001080522.2); c.2876G>T, p.Gly959Val (NM_001378617.1); short protein forms G1008V, G959V.
Identifiers: ClinVar variation 4689929 (VCV004689929.1).